The following is an entry in ClinVar:

ClinVar aggregate classification (germline): Conflicting classifications of pathogenicity. Review status: criteria provided, conflicting classifications (1 of 4 stars). 4 submissions from 4 submitters: Uncertain significance (2); Likely benign (1). 1 of the submissions does not count toward it. Last evaluated 2026-04-14.

Conditions:
ABCB4-related disorder. Also called: ABCB4-related disorders; ABCB4-related condition.
Familial intrahepatic cholestasis. Identifiers: Orphanet 284385, MedGen CN296401, MONDO:0017290.

Allele frequency attached by ClinVar (database versions not stated): ExAC 0.00004; gnomAD exomes 0.00006; ESP Exome Variant Server 0.00008; TOPMed 0.00016; 1000 Genomes Project 30x 0.00031; 1000 Genomes Project 0.00040.
gnomAD v4.1: 83 of 1,614,052 alleles (0.0051%); highest among the groups gnomAD compares: African/African-American, 0.04%; no homozygotes.

Submissions (4):

Genomenon, Inc
Classification: Uncertain significance for Familial intrahepatic cholestasis. Last evaluated: 2026-04-14. Review status: criteria provided, single submitter. Criteria: Genomenon Sequence Variant Interpretation Standards - Updated. Collection method: curation. Allele origin: germline. Affected: yes.
Comment: ABCB4 c.2340C>T is a synonymous variant that retains Glycine at residue 780. This variant has been observed in at least one proband with an ABCB4-related disorder (PMID:12746424). It is absent or not present at a significant frequency in gnomAD. In conclusion, we classify ABCB4 p.Gly780= (c.2340C>T) as a variant of uncertain significance.

Labcorp Genetics (formerly Invitae), Labcorp
Classification: Likely benign. Last evaluated: 2026-01-28. Review status: criteria provided, single submitter. Criteria: Invitae Variant Classification Sherloc (09022015). Collection method: clinical testing. Allele origin: germline.

CeGaT Center for Human Genetics Tuebingen
Classification: Uncertain significance. Last evaluated: 2019-11-01. Review status: criteria provided, single submitter. Criteria: CeGaT Center For Human Genetics Tuebingen Variant Classification Criteria Version 2. Collection method: clinical testing. Allele origin: germline. Affected: yes. Observed: 2 variant alleles.

PreventionGenetics, part of Exact Sciences
Classification: Likely benign for ABCB4-related condition. Last evaluated: 2024-01-12. Review status: no assertion criteria provided. Collection method: clinical testing. Allele origin: germline. Not counted in ClinVar's aggregate classification.
Comment: This variant is classified as likely benign based on ACMG/AMP sequence variant interpretation guidelines (Richards et al. 2015 PMID: 25741868, with internal and published modifications).

Literature cited by the submitters: PubMed 12746424 (cited by Genomenon, Inc).

NM_000443.4(ABCB4):c.2340C>T (p.Gly780=)

Gene: ABCB4 (ATP binding cassette subfamily B member 4; minus strand). Cytogenetic location: 7q21.12.
Variant type: single nucleotide variant.
Coding change: c.2340C>T on transcript NM_000443.4 (MANE Select); coding-DNA position 2340, C replaced by T.
Protein change: p.Gly780=; no amino-acid change (glycine 780 retained).
Molecular consequence: synonymous variant.
Genome position (GRCh38, 1-based): chr7:87,420,052, G>A on the plus strand (C>T on the coding strand, the complement: ABCB4 is on the minus strand). VCF-style: chr7-87420052-G-A. GRCh37 (hg19) VCF-style: chr7-87049368-G-A.
Other names: c.2340C>T, p.Gly780= (NM_018849.3, NM_018850.3); c.2340C>T (NM_000443.3).
Identifiers: ClinVar variation 871118 (VCV000871118.46), dbSNP rs148865252, ClinGen allele CA4327045.